The following is an entry in ClinVar:

ClinVar aggregate classification (germline): Pathogenic (1 of 4 stars; one submission).

Conditions:
Hereditary cancer-predisposing syndrome. Also called: Neoplastic Syndromes, Hereditary; Tumor predisposition; Hereditary Cancer Syndrome; Hereditary neoplastic syndrome. Identifiers: Orphanet 140162, MedGen C0027672, MeSH D009386, MONDO:0015356.

Submission:

Ambry Genetics
Classification: Pathogenic for Hereditary cancer-predisposing syndrome. Last evaluated: 2022-05-02. Review status: criteria provided, single submitter. Criteria: Ambry Variant Classification Scheme 2023. Collection method: clinical testing. Allele origin: germline.
Comment: The c.1049+2T>G intronic pathogenic mutation results from a T to G substitution two nucleotides after coding exon 6 in the MEN1 gene. This alteration has been observed in at least one individual with a personal and/or family history that is consistent with MEN1-related disease (Ambry internal data). In silico splice site analysis predicts that this alteration will weaken the native splice donor site. Alterations that disrupt the canonical splice site are expected to cause aberrant splicing, resulting in an abnormal protein or a transcript that is subject to nonsense-mediated mRNA decay. As such, this alteration is classified as disease-causing mutation.

NM_001370259.2(MEN1):c.1049+2T>G

Gene: MEN1 (menin 1; minus strand). Cytogenetic location: 11q13.1.
Variant type: single nucleotide variant.
Coding change: c.1049+2T>G on transcript NM_001370259.2 (MANE Select); the canonical splice donor site of the intron after coding-DNA position 1049, T replaced by G.
Molecular consequence: splice donor variant. On other transcripts: non-coding transcript variant (4).
Genome position (GRCh38, 1-based): chr11:64,806,230, A>C on the plus strand (T>G on the coding strand, the complement: MEN1 is on the minus strand). VCF-style: chr11-64806230-A-C. GRCh37 (hg19) VCF-style: chr11-64573702-A-C.
Other names: c.1064+2T>G (NM_130804.3, NM_130803.3, NM_000244.4 and 5 more transcripts); c.944+2T>G (NM_001407148.1, NM_001407149.1, NM_001407151.1 and 2 more transcripts); c.1049+2T>G (NM_130799.3, NM_001407144.1, NM_001370260.2 and 7 more transcripts).
Identifiers: ClinVar variation 1776241 (VCV001776241.2), dbSNP rs1555164946, ClinGen allele CA381183118.